The following is an entry in ClinVar:

NM_004444.5(EPHB4):c.1848_1849delinsT (p.Lys616fs)

Gene: EPHB4 (EPH receptor B4; minus strand). Cytogenetic location: 7q22.1.
Variant type: Indel.
Coding change: c.1848_1849delinsT on transcript NM_004444.5 (MANE Select); coding-DNA positions 1848 to 1849, GA replaced by T.
Protein change: p.Lys616fs; shifts the reading frame from lysine 616.
Molecular consequence: frameshift variant.
Genome position (GRCh38, 1-based): chr7:100,813,116-100,813,117, TC replaced by A on the plus strand (GA replaced by T on the coding strand, the reverse complement: EPHB4 is on the minus strand). VCF-style: chr7-100813116-TC-A. GRCh37 (hg19) VCF-style: chr7-100410738-TC-A.
Other names: short protein forms K616fs.
Identifiers: ClinVar variation 1330878 (VCV001330878.7), dbSNP rs2116432568, ClinGen allele CA2573052769.

ClinVar aggregate classification (germline): Likely pathogenic (1 of 4 stars; one submission).

Submission:

ARUP Laboratories, Molecular Genetics and Genomics, ARUP Laboratories
Classification: Likely pathogenic. Last evaluated: 2020-12-19. Review status: criteria provided, single submitter. Criteria: ARUP Molecular Germline Variant Investigation Process 2021. Collection method: clinical testing. Allele origin: germline.
Comment: The EPHB4 c.1848_1849delinsT; p.Lys616AsnfsTer5 variant, to our knowledge, is not reported in the medical literature or gene specific databases. This variant is also absent from general population databases (Exome Variant Server, Genome Aggregation Database), indicating it is not a common polymorphism. This variant causes a frameshift by deleting two nucleotides and inserting a single nucleotide, so it is predicted to result in a truncated protein or mRNA subject to nonsense-mediated decay. Based on available information, this variant is considered to be likely pathogenic.